The following is an entry in ClinVar:

NM_014014.5(SNRNP200):c.1147C>T (p.Arg383Cys)

Gene: SNRNP200 (small nuclear ribonucleoprotein U5 subunit 200; minus strand). Cytogenetic location: 2q11.2.
Variant type: single nucleotide variant.
Coding change: c.1147C>T on transcript NM_014014.5 (MANE Select); coding-DNA position 1147, C replaced by T.
Protein change: p.Arg383Cys; replaces arginine 383 with cysteine.
Molecular consequence: missense variant.
Genome position (GRCh38, 1-based): chr2:96,297,693, G>A on the plus strand (C>T on the coding strand, the complement: SNRNP200 is on the minus strand). VCF-style: chr2-96297693-G-A. GRCh37 (hg19) VCF-style: chr2-96963431-G-A.
Other names: short protein forms R383C.
Identifiers: ClinVar variation 862590 (VCV000862590.11), dbSNP rs142216052, ClinGen allele CA1778991.
Genomic context (GRCh38, chr2:96,297,693, plus strand): 5'-CTACCTCTCCACCCTGGTCGAGATCCATGGTTTCCAGATCTGTGTCCATTCGAGACTGAC[G>A]CACTCGCTCTCTCCGGGACCTTTCCTCCTGTAGTGGACAAAGATAAAAATCACAAAAACA-3'
Protein context (NP_054733.2, residues 373-393): REERSRRERV[Arg383Cys]QSRMDTDLET

ClinVar aggregate classification (germline): Conflicting classifications of pathogenicity. Review status: criteria provided, conflicting classifications (1 of 4 stars). 3 submissions from 3 submitters: Uncertain significance (2); Likely benign (1). Last evaluated 2026-01-29.

Conditions:
SNRNP200-related disorder. Also called: SNRNP200-related condition.

Allele frequency attached by ClinVar (database versions not stated): ESP Exome Variant Server 0.00015; gnomAD exomes 0.00001 and 0.00002; TOPMed 0.00002; gnomAD 0.00003 and 0.00004; ExAC 0.00004.
gnomAD v4.1: 35 of 1,614,072 alleles (0.0022%); highest among the groups gnomAD compares: African/African-American, 0.004%; no homozygotes.

Submissions (3):

PreventionGenetics, part of Exact Sciences
Classification: Uncertain significance for SNRNP200-related condition. Last evaluated: 2026-01-29. Review status: criteria provided, single submitter. Criteria: ACMG Guidelines, 2015. Collection method: clinical testing. Allele origin: germline.
Comment: The SNRNP200 c.1147C>T variant is predicted to result in the amino acid substitution p.Arg383Cys. To our knowledge, this variant has not been reported in the literature. This variant is reported in 0.012% of alleles in individuals of African descent in gnomAD. At this time, the clinical significance of this variant is uncertain due to the absence of conclusive functional and genetic evidence.

Labcorp Genetics (formerly Invitae), Labcorp
Classification: Likely benign. Last evaluated: 2025-10-12. Review status: criteria provided, single submitter. Criteria: Invitae Variant Classification Sherloc (09022015). Collection method: clinical testing. Allele origin: germline.

Blueprint Genetics
Classification: Uncertain significance. Last evaluated: 2024-11-04. Review status: criteria provided, single submitter. Criteria: ACMG Guidelines, 2015. Collection method: clinical testing. Allele origin: germline.